The following is an entry in ClinVar:

ClinVar aggregate classification (germline): Uncertain significance. Review status: criteria provided, multiple submitters, no conflicts (2 of 4 stars). 2 submissions from 2 submitters: Uncertain significance (2). Last evaluated 2025-07-14.

Conditions:
Inborn genetic diseases. Identifiers: MedGen C0950123, MeSH D030342.

Allele frequency attached by ClinVar (database versions not stated): 1000 Genomes Project 0.00020; ExAC 0.00001; gnomAD 0.00001; TOPMed 0.00005; 1000 Genomes Project 30x 0.00016.
gnomAD v4.1: 15 of 1,613,880 alleles (0.00093%); highest among the groups gnomAD compares: Admixed American, 0.005%; no homozygotes.

Submissions (2):

Labcorp Genetics (formerly Invitae), Labcorp
Classification: Uncertain significance. Last evaluated: 2025-07-14. Review status: criteria provided, single submitter. Criteria: Invitae Variant Classification Sherloc (09022015). Collection method: clinical testing. Allele origin: germline.
Comment: This sequence change replaces histidine, which is basic and polar, with arginine, which is basic and polar, at codon 376 of the RAB3GAP1 protein (p.His376Arg). This variant is present in population databases (rs200094211, gnomAD 0.003%). This variant has not been reported in the literature in individuals affected with RAB3GAP1-related conditions. ClinVar contains an entry for this variant (Variation ID: 2045185). Invitae Evidence Modeling of protein sequence and biophysical properties (such as structural, functional, and spatial information, amino acid conservation, physicochemical variation, residue mobility, and thermodynamic stability) indicates that this missense variant is not expected to disrupt RAB3GAP1 protein function with a negative predictive value of 80%. In summary, the available evidence is currently insufficient to determine the role of this variant in disease. Therefore, it has been classified as a Variant of Uncertain Significance.

Ambry Genetics
Classification: Uncertain significance for Inborn genetic diseases. Last evaluated: 2023-04-18. Review status: criteria provided, single submitter. Criteria: Ambry Variant Classification Scheme 2023. Collection method: clinical testing. Allele origin: germline.

NM_012233.3(RAB3GAP1):c.1127A>G (p.His376Arg)

Gene: RAB3GAP1 (RAB3 GTPase activating protein catalytic subunit 1; plus strand). Cytogenetic location: 2q21.3.
Variant type: single nucleotide variant.
Coding change: c.1127A>G on transcript NM_012233.3 (MANE Select); coding-DNA position 1127, A replaced by G.
Protein change: p.His376Arg; replaces histidine 376 with arginine.
Molecular consequence: missense variant.
Genome position (GRCh38, 1-based): chr2:135,130,612, A>G. VCF-style: chr2-135130612-A-G. GRCh37 (hg19) VCF-style: chr2-135888182-A-G.
Other names: c.1127A>G, p.His376Arg (NM_001172435.2); c.1127A>G (NM_012233.2); short protein forms H376R.
Identifiers: ClinVar variation 2045185 (VCV002045185.6), dbSNP rs200094211, ClinGen allele CA1884762.
Genomic context (GRCh38, chr2:135,130,612, plus strand): 5'-AAACTGCTGATATAACTCATGCTTTGTCAAAATTGACAGAGCCGGCATCAGTTCCAATTC[A>G]TAAATTATCAGTTTCAAATATGGTACACACTGCAAAGAAGAAAATCCGAAAACACAGAGG-3'
Protein context (NP_036365.1, residues 366-386): KLTEPASVPI[His376Arg]KLSVSNMVHT